The following is an entry in ClinVar:

NM_001253384.2(RPL15):c.361-6_361-5dup

Genes: NKIRAS1 (NFKB inhibitor interacting Ras like 1; minus strand), RPL15 (ribosomal protein L15; plus strand). Cytogenetic location: 3p24.2.
Variant type: Duplication.
Coding change: c.361-6_361-5dup on transcript NM_001253384.2; 6 bases into the intron before coding-DNA position 361 through 5 bases into the intron before coding-DNA position 361, 2 bases duplicated (TT; older notation c.361-6_361-5dupTT).
Molecular consequence: intron variant.
Genome position (GRCh38, 1-based): chr3:23,921,592-23,921,593, TT duplicated; duplicating any 2 consecutive bases within chr3:23,921,571-23,921,593 gives the same sequence; the c. name uses the placement nearest the transcript's 3' end. VCF-style (leftmost placement, unchanged base first): chr3-23921570-G-GTT. GRCh37 (hg19) VCF-style: chr3-23963061-G-GTT.
Other names: c.-139-10122_-139-10121dup (NM_001377380.1).
Identifiers: ClinVar variation 3042094 (VCV003042094.2), dbSNP rs71622703, ClinGen allele CA2286562.

ClinVar aggregate classification (germline): Likely benign (0 of 4 stars; one submission).

Conditions:
RPL15-related disorder. Also called: RPL15-related condition.

Submission:

PreventionGenetics, part of Exact Sciences
Classification: Likely benign for RPL15-related condition. Last evaluated: 2019-02-20. Review status: no assertion criteria provided. Collection method: clinical testing. Allele origin: germline.
Comment: This variant is classified as likely benign based on ACMG/AMP sequence variant interpretation guidelines (Richards et al. 2015 PMID: 25741868, with internal and published modifications).